The following is an entry in ClinVar:

ClinVar aggregate classification (germline): Uncertain significance (1 of 4 stars; one submission).

Submission:

GeneDx
Classification: Uncertain significance. Last evaluated: 2022-02-23. Review status: criteria provided, single submitter. Criteria: GeneDx Variant Classification Process June 2021. Collection method: clinical testing. Allele origin: germline. Affected: yes.
Comment: Not observed at significant frequency in large population cohorts (gnomAD); In silico analysis supports that this missense variant does not alter protein structure/function; Has not been previously published as pathogenic or benign to our knowledge

NM_153252.5(BRWD3):c.329A>G (p.Lys110Arg)

Gene: BRWD3 (bromodomain and WD repeat domain containing 3; minus strand). Cytogenetic location: Xq21.1.
Variant type: single nucleotide variant.
Coding change: c.329A>G on transcript NM_153252.5 (MANE Select); coding-DNA position 329, A replaced by G.
Protein change: p.Lys110Arg; replaces lysine 110 with arginine.
Molecular consequence: missense variant.
Genome position (GRCh38, 1-based): chrX:80,793,624, T>C on the plus strand (A>G on the coding strand, the complement: BRWD3 is on the minus strand). VCF-style: chrX-80793624-T-C. GRCh37 (hg19) VCF-style: chrX-80049123-T-C.
Other names: short protein forms K110R.
Identifiers: ClinVar variation 1703324 (VCV001703324.2), dbSNP rs759433212, ClinGen allele CA413613253.